The following is an entry in ClinVar:

NM_006922.4(SCN3A):c.244C>A (p.Pro82Thr)

Gene: SCN3A (sodium voltage-gated channel alpha subunit 3; minus strand). Cytogenetic location: 2q24.3.
Variant type: single nucleotide variant.
Coding change: c.244C>A on transcript NM_006922.4 (MANE Select); coding-DNA position 244, C replaced by A.
Protein change: p.Pro82Thr; replaces proline 82 with threonine.
Molecular consequence: missense variant.
Genome position (GRCh38, 1-based): chr2:165,176,151, G>T on the plus strand (C>A on the coding strand, the complement: SCN3A is on the minus strand). VCF-style: chr2-165176151-G-T. GRCh37 (hg19) VCF-style: chr2-166032661-G-T.
Other names: c.244C>A, p.Pro82Thr (NM_001081676.2, NM_001081677.2); short protein forms P82T.
Identifiers: ClinVar variation 3619174 (VCV003619174.2).

ClinVar aggregate classification (germline): Uncertain significance (1 of 4 stars; one submission).

Submission:

Labcorp Genetics (formerly Invitae), Labcorp
Classification: Uncertain significance. Last evaluated: 2024-06-12. Review status: criteria provided, single submitter. Criteria: Invitae Variant Classification Sherloc (09022015). Collection method: clinical testing. Allele origin: germline.
Comment: This sequence change replaces proline, which is neutral and non-polar, with threonine, which is neutral and polar, at codon 82 of the SCN3A protein (p.Pro82Thr). This variant is not present in population databases (gnomAD no frequency). This variant has not been reported in the literature in individuals affected with SCN3A-related conditions. Advanced modeling of protein sequence and biophysical properties (such as structural, functional, and spatial information, amino acid conservation, physicochemical variation, residue mobility, and thermodynamic stability) has been performed at Invitae for this missense variant, however the output from this modeling did not meet the statistical confidence thresholds required to predict the impact of this variant on SCN3A protein function. In summary, the available evidence is currently insufficient to determine the role of this variant in disease. Therefore, it has been classified as a Variant of Uncertain Significance.